The following is an entry in ClinVar:

NM_001365999.1(SZT2):c.1093T>G (p.Ser365Ala)

Gene: SZT2 (SZT2 subunit of KICSTOR complex; plus strand). Cytogenetic location: 1p34.2.
Variant type: single nucleotide variant.
Coding change: c.1093T>G on transcript NM_001365999.1 (MANE Select); coding-DNA position 1093, T replaced by G.
Protein change: p.Ser365Ala; replaces serine 365 with alanine.
Molecular consequence: missense variant.
Genome position (GRCh38, 1-based): chr1:43,420,155, T>G. VCF-style: chr1-43420155-T-G. GRCh37 (hg19) VCF-style: chr1-43885826-T-G.
Other names: c.1093T>G, p.Ser365Ala (NM_015284.4); short protein forms S365A.
Identifiers: ClinVar variation 2896329 (VCV002896329.3), dbSNP rs2545801199, ClinGen allele CA340006444.

ClinVar aggregate classification (germline): Uncertain significance (1 of 4 stars; one submission).

Submission:

Labcorp Genetics (formerly Invitae), Labcorp
Classification: Uncertain significance. Last evaluated: 2023-06-15. Review status: criteria provided, single submitter. Criteria: Invitae Variant Classification Sherloc (09022015). Collection method: clinical testing. Allele origin: germline.
Comment: This sequence change replaces serine, which is neutral and polar, with alanine, which is neutral and non-polar, at codon 365 of the SZT2 protein (p.Ser365Ala). This variant is not present in population databases (gnomAD no frequency). This variant has not been reported in the literature in individuals affected with SZT2-related conditions. An algorithm developed to predict the effect of missense changes on protein structure and function (PolyPhen-2) suggests that this variant is likely to be tolerated. In summary, the available evidence is currently insufficient to determine the role of this variant in disease. Therefore, it has been classified as a Variant of Uncertain Significance.